The following is an entry in ClinVar:

ClinVar aggregate classification (germline): Uncertain significance (1 of 4 stars; one submission).

Submission:

GeneDx
Classification: Uncertain significance. Last evaluated: 2021-12-10. Review status: criteria provided, single submitter. Criteria: GeneDx Variant Classification Process June 2021. Collection method: clinical testing. Allele origin: germline. Affected: yes.
Comment: Observed heterozygous in a patient with Hirschprung disease in published literature (Sanchez-Mejias et al., 2010); Not observed at significant frequency in large population cohorts (gnomAD); In silico analysis supports that this missense variant has a deleterious effect on protein structure/function; This variant is associated with the following publications: (PMID: 20009762)

NM_001122659.3(EDNRB):c.343G>A (p.Gly115Arg)

Gene: EDNRB (endothelin receptor type B; minus strand). Cytogenetic location: 13q22.3.
Variant type: single nucleotide variant.
Coding change: c.343G>A on transcript NM_001122659.3 (MANE Select); coding-DNA position 343, G replaced by A.
Protein change: p.Gly115Arg; replaces glycine 115 with arginine.
Molecular consequence: missense variant.
Genome position (GRCh38, 1-based): chr13:77,918,231, C>T on the plus strand (G>A on the coding strand, the complement: EDNRB is on the minus strand). VCF-style: chr13-77918231-C-T. GRCh37 (hg19) VCF-style: chr13-78492366-C-T.
Other names: c.343G>A, p.Gly115Arg (NM_000115.5, NM_003991.4); c.613G>A, p.Gly205Arg (NM_001201397.2); short protein forms G115R, G205R.
Identifiers: ClinVar variation 1696956 (VCV001696956.2), dbSNP rs2137639484, ClinGen allele CA388452542.